The following is an entry in ClinVar:

NM_018136.5(ASPM):c.4999C>T (p.Arg1667Cys)

Gene: ASPM (assembly factor for spindle microtubules; minus strand). Cytogenetic location: 1q31.3.
Variant type: single nucleotide variant.
Coding change: c.4999C>T on transcript NM_018136.5 (MANE Select); coding-DNA position 4999, C replaced by T.
Protein change: p.Arg1667Cys; replaces arginine 1667 with cysteine.
Molecular consequence: missense variant. On other transcripts: intron variant (1).
Genome position (GRCh38, 1-based): chr1:197,104,252, G>A on the plus strand (C>T on the coding strand, the complement: ASPM is on the minus strand). VCF-style: chr1-197104252-G-A. GRCh37 (hg19) VCF-style: chr1-197073382-G-A.
Other names: c.4066-8088C>T (NM_001206846.2); short protein forms R1667C.
Identifiers: ClinVar variation 1937830 (VCV001937830.3), dbSNP rs755281471, ClinGen allele CA1309827.
Genomic context (GRCh38, chr1:197,104,252, plus strand): 5'-ACTGCAATTTTATTGTAGCATTTTTTAGGCTCAAAAATTCCTTTTTAGAAACATAAGCAC[G>A]ATAATATGATTGAATCTTTATAACAGATGTGAGGATGTGAATATACATTTTCCTGGCTTG-3'
Protein context (NP_060606.3, residues 1657-1677): TSVIKIQSYY[Arg1667Cys]AYVSKKEFLS

ClinVar aggregate classification (germline): Uncertain significance (1 of 4 stars; one submission).

Allele frequency attached by ClinVar (database versions not stated): gnomAD 0.00001; gnomAD exomes 0.00001; TOPMed 0.00001; ExAC 0.00002.

Submission:

Labcorp Genetics (formerly Invitae), Labcorp
Classification: Uncertain significance. Last evaluated: 2022-06-04. Review status: criteria provided, single submitter. Criteria: Invitae Variant Classification Sherloc (09022015). Collection method: clinical testing. Allele origin: germline.
Comment: Algorithms developed to predict the effect of missense changes on protein structure and function are either unavailable or do not agree on the potential impact of this missense change (SIFT: "Deleterious"; PolyPhen-2: "Probably Damaging"; Align-GVGD: "Class C0"). In summary, the available evidence is currently insufficient to determine the role of this variant in disease. Therefore, it has been classified as a Variant of Uncertain Significance. This variant has not been reported in the literature in individuals affected with ASPM-related conditions. This variant is present in population databases (rs755281471, gnomAD 0.004%). This sequence change replaces arginine, which is basic and polar, with cysteine, which is neutral and slightly polar, at codon 1667 of the ASPM protein (p.Arg1667Cys).